The following is an entry in ClinVar:

NM_001220.5(CAMK2B):c.1439del (p.Pro480fs)

Gene: CAMK2B (calcium/calmodulin dependent protein kinase II beta; minus strand). Cytogenetic location: 7p13.
Variant type: Deletion.
Coding change: c.1439del on transcript NM_001220.5 (MANE Select); coding-DNA position 1439, one base deleted (C; older notation c.1439delC).
Protein change: p.Pro480fs; shifts the reading frame from proline 480.
Molecular consequence: frameshift variant. On other transcripts: intron variant (8).
Genome position (GRCh38, 1-based): chr7:44,228,825, G deleted on the plus strand (C on the coding strand, the reverse complement: CAMK2B is on the minus strand); the first of 2 consecutive G bases (chr7:44,228,825-44,228,826); deleting either gives the same sequence. VCF-style (leftmost placement, unchanged base first): chr7-44228824-CG-C. GRCh37 (hg19) VCF-style: chr7-44268423-CG-C.
Other names: c.947-7924del (NM_172084.3); c.1150+2181del (NM_172080.3); c.1036+2181del (NM_172083.3); c.1108+2181del (NM_172081.3); c.1153+2181del (NM_172079.3, NM_172082.3); c.1225+2181del (NM_001293170.2, NM_172078.3); short protein forms P480fs.
Identifiers: ClinVar variation 3689707 (VCV003689707.2).

ClinVar aggregate classification (germline): Uncertain significance (1 of 4 stars; one submission).

Submission:

Labcorp Genetics (formerly Invitae), Labcorp
Classification: Uncertain significance. Last evaluated: 2024-09-01. Review status: criteria provided, single submitter. Criteria: Invitae Variant Classification Sherloc (09022015). Collection method: clinical testing. Allele origin: germline.
Comment: This sequence change creates a premature translational stop signal (p.Pro480Argfs*4) in the CAMK2B gene. It is expected to result in an absent or disrupted protein product. However, the current clinical and genetic evidence is not sufficient to establish whether loss-of-function variants in CAMK2B cause disease. This variant is not present in population databases (gnomAD no frequency). This variant has not been reported in the literature in individuals affected with CAMK2B-related conditions. In summary, the available evidence is currently insufficient to determine the role of this variant in disease. Therefore, it has been classified as a Variant of Uncertain Significance.